The following is an entry in ClinVar:

NM_000146.4(FTL):c.169G>A (p.Glu57Lys)

Gene: FTL (ferritin light chain; plus strand). Cytogenetic location: 19q13.33.
Variant type: single nucleotide variant.
Coding change: c.169G>A on transcript NM_000146.4 (MANE Select); coding-DNA position 169, G replaced by A.
Protein change: p.Glu57Lys; replaces glutamic acid 57 with lysine.
Molecular consequence: missense variant.
Genome position (GRCh38, 1-based): chr19:48,965,836, G>A. VCF-style: chr19-48965836-G-A. GRCh37 (hg19) VCF-style: chr19-49469093-G-A.
Other names: p.Glu57Lys; short protein forms E57K.
Identifiers: ClinVar variation 156439 (VCV000156439.22), dbSNP rs201241191, ClinGen allele CA211321.

ClinVar aggregate classification (germline): Conflicting classifications of pathogenicity. Review status: criteria provided, conflicting classifications (1 of 4 stars). 8 submissions from 7 submitters: Uncertain significance (1); Benign (2); Likely benign (3). 2 of the submissions do not count toward it. Last evaluated 2025-10-07.

Conditions:
FTL-related disorder. Also called: FTL-related condition.
sporadic abdominal aortic aneurysm.
Hereditary hyperferritinemia with congenital cataracts. Also called: HYPERFERRITINEMIA WITH OR WITHOUT CATARACT; Hereditary hyperferritinemia cataract syndrome; Bonneau-Beaumont syndrome. Identifiers: Orphanet 163, MedGen C1833213, MONDO:0010952, OMIM 600886.
Neuroferritinopathy (NBIA3). Also called: NEURODEGENERATION WITH BRAIN IRON ACCUMULATION 3; BASAL GANGLIA DISEASE, ADULT-ONSET. Identifiers: Orphanet 157846, MedGen C1853578, MONDO:0011638, OMIM 606159.

Allele frequency attached by ClinVar (database versions not stated): gnomAD exomes 0.00009 and 0.00018; ESP Exome Variant Server 0.00015; gnomAD 0.00016; TOPMed 0.00016; ExAC 0.00017.
gnomAD v4.1: 177 of 1,614,072 alleles (0.011%); highest among the groups gnomAD compares: Middle Eastern, 0.016%; 1 homozygote.

Submissions (8):

Mayo Clinic Laboratories, Mayo Clinic
Classification: Likely benign. Last evaluated: 2025-10-07. Review status: criteria provided, single submitter. Criteria: ACMG Guidelines, 2015. Collection method: clinical testing. Allele origin: germline. Observed: 1 variant allele.
Comment: BS1, BP4_moderate

Labcorp Genetics (formerly Invitae), Labcorp
Classification: Likely benign for Neuroferritinopathy; Hereditary hyperferritinemia with congenital cataracts. Last evaluated: 2025-01-08. Review status: criteria provided, single submitter. Criteria: Invitae Variant Classification Sherloc (09022015). Collection method: clinical testing. Allele origin: germline.

Women's Health and Genetics/Laboratory Corporation of America, LabCorp
Classification: Uncertain significance. Last evaluated: 2023-07-12. Review status: criteria provided, single submitter. Criteria: LabCorp Variant Classification Summary - May 2015. Collection method: clinical testing. Allele origin: germline.
Comment: Variant summary: FTL c.169G>A (p.Glu57Lys) results in a conservative amino acid change located in the Ferritin/DPS protein domain (IPR008331) of the encoded protein sequence. Five of five in-silico tools predict a benign effect of the variant on protein function. The variant allele was found at a frequency of 0.00018 in 251376 control chromosomes. The available data on variant occurrences in the general population are insufficient to allow any conclusion about variant significance. To our knowledge, no occurrence of c.169G>A in individuals affected with L-Ferritin Deficiency and no experimental evidence demonstrating its impact on protein function have been reported. Three submitters have cited clinical-significance assessments for this variant to ClinVar after 2014. All submitters classified the variant as benign/likely benign. Based on the evidence outlined above, the variant was classified as uncertain significance.

GeneDx
Classification: Likely benign. Last evaluated: 2019-04-03. Review status: criteria provided, single submitter. Criteria: GeneDx Variant Classification Process June 2021. Collection method: clinical testing. Allele origin: germline. Affected: yes.
Comment: Has not been previously published as pathogenic or benign to our knowledge

Illumina Laboratory Services, Illumina
Classification: Benign for Hereditary hyperferritinemia with congenital cataracts. Last evaluated: 2018-01-13. Review status: criteria provided, single submitter. Criteria: ICSL Variant Classification Criteria 13 December 2019. Collection method: clinical testing. Allele origin: germline.
Comment: This variant was observed in the ICSL laboratory as part of a predisposition screen in an ostensibly healthy population. It had not been previously curated by ICSL or reported in the Human Gene Mutation Database (HGMD: prior to June 1st, 2018), and was therefore a candidate for classification through an automated scoring system. Utilizing variant allele frequency, disease prevalence and penetrance estimates, and inheritance mode, an automated score was calculated to assess if this variant is too frequent to cause the disease. Based on the score and internal cut-off values, a variant classified as benign is not then subjected to further curation. The score for this variant resulted in a classification of benign for this disease.

Illumina Laboratory Services, Illumina
Classification: Benign for Neuroferritinopathy. Last evaluated: 2018-01-13. Review status: criteria provided, single submitter. Criteria: ICSL Variant Classification Criteria 13 December 2019. Collection method: clinical testing. Allele origin: germline.
Comment: the same text as in the submission from Illumina Laboratory Services, Illumina above.

PreventionGenetics, part of Exact Sciences
Classification: Uncertain significance for FTL-related condition. Last evaluated: 2024-07-16. Review status: no assertion criteria provided. Collection method: clinical testing. Allele origin: germline. Not counted in ClinVar's aggregate classification.
Comment: The FTL c.169G>A variant is predicted to result in the amino acid substitution p.Glu57Lys. This variant has been reported in two individuals with abdominal aortic aneurysm; however, no additional evidence was provided to support pathogenicity (Tilson et al. 2006. PubMed ID: 17182944). In ClinVar, this variant has conflicting interpretations of benign, likely benign, and likely pathogenic. This variant is reported in 0.41% of alleles in individuals of Ashkenazi Jewish descent in gnomAD, which is high for a dominant pathogenic variant. At this time, the clinical significance of this variant is uncertain due to the absence of conclusive functional and genetic evidence.

TilsonLab, Columbia University
Classification: Likely pathogenic for sporadic abdominal aortic aneurysm. Last evaluated: 2014-09-21. Review status: no assertion criteria provided. Collection method: research. Allele origin: unknown. Affected: yes. Observed: 2 variant alleles. Not counted in ClinVar's aggregate classification.
Comment: Observed frequency of 48965836(G>A) in 2/19 patients with abdominal aortic aneurysm versus heterozygosity described in "Variation Viewer" as 0.0002.

Abdominal Aortic Aneurysm (AAA) Mutations/Polymorphisms

Literature cited by the submitters: PubMed 17182944 (cited by TilsonLab, Columbia University).